The following is an entry in ClinVar:

ClinVar aggregate classification (germline): Uncertain significance (1 of 4 stars; one submission).

Conditions:
Cataract 1 multiple types. Also called: CATARACT, DUFFY-LINKED; CATARACT 1, POSTERIOR SUBCAPSULAR, WITH MICROCORNEA; CATARACT 1, STELLATE NUCLEAR, WITH MICROCORNEA; CATARACT 1, MULTIPLE TYPES, WITH OR WITHOUT MICROCORNEA; CATARACT 1, NUCLEAR PROGRESSIVE; CATARACT 1 WITH MICROCORNEA. Identifiers: Orphanet 1377, MedGen C1861828, MONDO:0007285, OMIM 116200.

Submission:

Dept. Genetics and Cancer, Menzies Institute for Medical Research, University of Tasmania
Classification: Uncertain significance for Cataract 1 multiple types. Last evaluated: 2023-01-21. Review status: criteria provided, single submitter. Criteria: ACMG Guidelines, 2015. Collection method: curation. Allele origin: germline. Affected: yes.
Comment: Variant identified and curated during a GJA8 specific review of the literature in relation to pediatric or congenital cataract. ACMG-AMP criteria applied: PM2(Supporting), PM5(Supporting), PP3. Original variant report: PMID:33923544. The cataract phenotype reported for this variant is: Nuclear. Additional phenotype/s reported in these individual/s are: Microcornea. Gene review and curation guidelines are outlined in: DOI 10.1080/17469899.2023.2160320

Literature cited by the submitters: PubMed 33923544.

NM_005267.5(GJA8):c.226C>G (p.Arg76Gly)

Gene: GJA8 (gap junction protein alpha 8; plus strand). Cytogenetic location: 1q21.2.
Variant type: single nucleotide variant.
Coding change: c.226C>G on transcript NM_005267.5 (MANE Select); coding-DNA position 226, C replaced by G.
Protein change: p.Arg76Gly; replaces arginine 76 with glycine.
Molecular consequence: missense variant.
Genome position (GRCh38, 1-based): chr1:147,908,181, C>G. VCF-style: chr1-147908181-C-G. GRCh37 (hg19) VCF-style: chr1-147380308-C-G.
Other names: short protein forms R76G.
Identifiers: ClinVar variation 3253726 (VCV003253726.1), dbSNP rs1553242577.